The following is an entry in ClinVar:

NM_001393769.1(MED12L):c.5088G>C (p.Gln1696His)

Gene: MED12L (mediator complex subunit 12L; plus strand). Cytogenetic location: 3q25.1.
Variant type: single nucleotide variant.
Coding change: c.5088G>C on transcript NM_001393769.1 (MANE Select); coding-DNA position 5088, G replaced by C.
Protein change: p.Gln1696His; replaces glutamine 1696 with histidine.
Molecular consequence: missense variant.
Genome position (GRCh38, 1-based): chr3:151,385,191, G>C. VCF-style: chr3-151385191-G-C. GRCh37 (hg19) VCF-style: chr3-151102979-G-C.
Other names: c.4983G>C, p.Gln1661His (NM_053002.6); short protein forms Q1661H, Q1696H.
Identifiers: ClinVar variation 3767487 (VCV003767487.1).
Genomic context (GRCh38, chr3:151,385,191, plus strand): 5'-TTCCTTGATTGACACAAAAGGAAACAAAATTGCTGGATTTGACTCTATAGATAAAAAACA[G>C]GCAAGAGTGAATGTTTTTTCTTATATATAAATTTATTTACAAAAGATGAAATACTTTTTT-3'
Protein context (NP_001380698.1, residues 1686-1706): IAGFDSIDKK[Gln1696His]GLQVSTKQKV

ClinVar aggregate classification (germline): Uncertain significance (1 of 4 stars; one submission).

Submission:

GeneDx
Classification: Uncertain significance. Last evaluated: 2024-09-06. Review status: criteria provided, single submitter. Criteria: GeneDx Variant Classification Process June 2021. Collection method: clinical testing. Allele origin: germline. Affected: yes.
Comment: Not observed at significant frequency in large population cohorts (gnomAD); Alters the last nucleotide of the exon and is predicted to destroy the splice donor site but the effect on protein function is unclear; In silico analysis indicates that this missense variant does not alter protein structure/function; Has not been previously published as pathogenic or benign to our knowledge